The following is an entry in ClinVar:

NM_001291303.3(FAT4):c.8423T>C (p.Ile2808Thr)

Gene: FAT4 (FAT atypical cadherin 4; plus strand). Cytogenetic location: 4q28.1.
Variant type: single nucleotide variant.
Coding change: c.8423T>C on transcript NM_001291303.3 (MANE Select); coding-DNA position 8423, T replaced by C.
Protein change: p.Ile2808Thr; replaces isoleucine 2808 with threonine.
Molecular consequence: missense variant.
Genome position (GRCh38, 1-based): chr4:125,449,433, T>C. VCF-style: chr4-125449433-T-C. GRCh37 (hg19) VCF-style: chr4-126370588-T-C.
Other names: c.8423T>C, p.Ile2808Thr (NM_001291285.3); c.8417T>C, p.Ile2806Thr (NM_024582.6); short protein forms I2806T, I2808T.
Identifiers: ClinVar variation 2037721 (VCV002037721.4), dbSNP rs1725960663, ClinGen allele CA358146039.

ClinVar aggregate classification (germline): Uncertain significance (1 of 4 stars; one submission).

Allele frequency attached by ClinVar (database versions not stated): gnomAD 0.00001.
gnomAD v4.1: 1 of 1,613,716 alleles (0.000062%); highest among the groups gnomAD compares: Admixed American, 0.0017%; no homozygotes.

Submission:

Labcorp Genetics (formerly Invitae), Labcorp
Classification: Uncertain significance. Last evaluated: 2022-09-01. Review status: criteria provided, single submitter. Criteria: Invitae Variant Classification Sherloc (09022015). Collection method: clinical testing. Allele origin: germline.
Comment: In summary, the available evidence is currently insufficient to determine the role of this variant in disease. Therefore, it has been classified as a Variant of Uncertain Significance. Advanced modeling of protein sequence and biophysical properties (such as structural, functional, and spatial information, amino acid conservation, physicochemical variation, residue mobility, and thermodynamic stability) performed at Invitae indicates that this missense variant is not expected to disrupt FAT4 protein function. This variant has not been reported in the literature in individuals affected with FAT4-related conditions. This variant is not present in population databases (gnomAD no frequency). This sequence change replaces isoleucine, which is neutral and non-polar, with threonine, which is neutral and polar, at codon 2806 of the FAT4 protein (p.Ile2806Thr).